The following is an entry in ClinVar:

NM_002838.5(PTPRC):c.1241C>A (p.Pro414His)

Gene: PTPRC (protein tyrosine phosphatase receptor type C; plus strand). Cytogenetic location: 1q32.1.
Variant type: single nucleotide variant.
Coding change: c.1241C>A on transcript NM_002838.5 (MANE Select); coding-DNA position 1241, C replaced by A.
Protein change: p.Pro414His; replaces proline 414 with histidine.
Molecular consequence: missense variant.
Genome position (GRCh38, 1-based): chr1:198,713,022, C>A. VCF-style: chr1-198713022-C-A. GRCh37 (hg19) VCF-style: chr1-198682151-C-A.
Other names: c.758C>A, p.Pro253His (NM_080921.4); short protein forms P414H, P253H.
Identifiers: ClinVar variation 1912729 (VCV001912729.4), dbSNP rs2527836993, ClinGen allele CA344035887.

ClinVar aggregate classification (germline): Uncertain significance (1 of 4 stars; one submission).

Conditions:
Immunodeficiency 104. Also called: Severe combined immunodeficiency, autosomal recessive, T cell-negative, B cell-positive, NK cell-positive; SCID, AUTOSOMAL RECESSIVE, T CELL-NEGATIVE, B CELL-POSITIVE, NK CELL-POSITIVE; Severe Combined Immune Deficiency, Autosomal Recessive, TCell -Negative, B Cell-Positive, NK Cell-Positive, IL7R-Related; IMMUNODEFICIENCY 104, SEVERE COMBINED. Identifiers: MedGen C5676890, MONDO:0012163, OMIM 608971.

Allele frequency attached by ClinVar (database versions not stated): gnomAD exomes below 0.00001.
gnomAD v4.1: 2 of 1,613,558 alleles (0.00012%); highest among the groups gnomAD compares: Non-Finnish European, 0.00017%; no homozygotes.

Submission:

Labcorp Genetics (formerly Invitae), Labcorp
Classification: Uncertain significance for Immunodeficiency 104. Last evaluated: 2022-08-03. Review status: criteria provided, single submitter. Criteria: Invitae Variant Classification Sherloc (09022015). Collection method: clinical testing. Allele origin: germline.
Comment: In summary, the available evidence is currently insufficient to determine the role of this variant in disease. Therefore, it has been classified as a Variant of Uncertain Significance. Algorithms developed to predict the effect of missense changes on protein structure and function output the following: SIFT: "Deleterious"; PolyPhen-2: "Benign"; Align-GVGD: "Class C0". The histidine amino acid residue is found in multiple mammalian species, which suggests that this missense change does not adversely affect protein function. This variant has not been reported in the literature in individuals affected with PTPRC-related conditions. This variant is not present in population databases (gnomAD no frequency). This sequence change replaces proline, which is neutral and non-polar, with histidine, which is basic and polar, at codon 414 of the PTPRC protein (p.Pro414His).